The following is an entry in ClinVar:

NM_024496.4(IRF2BPL):c.309ACAGCA[2] (p.Gln126_Gln127del)

Genes: IRF2BPL (interferon regulatory factor 2 binding protein like; minus strand), LOC107984638 (uncharacterized LOC107984638; plus strand). Cytogenetic location: 14q24.3.
Variant type: Microsatellite.
Coding change: c.309ACAGCA[2] on transcript NM_024496.4 (MANE Select); two copies in a row of the 6-base unit ACAGCA starting at c.309; the reference has three copies in a row; one copy, 6 bases deleted.
Protein change: p.Gln126_Gln127del.
Molecular consequence: inframe deletion.
Genome position (GRCh38, 1-based): chr14:77,027,467-77,027,472, TGCTGT deleted on the plus strand (ACAGCA on the coding strand, the reverse complement: IRF2BPL is on the minus strand); deleting any 6 consecutive bases within chr14:77,027,467-77,027,487 gives the same sequence; the position shown is the placement nearest the transcript's 3' end. VCF-style (leftmost placement, unchanged base first): chr14-77027466-CTGCTGT-C. GRCh37 (hg19) VCF-style: chr14-77493809-CTGCTGT-C.
Identifiers: ClinVar variation 1711373 (VCV001711373.31), dbSNP rs745897352, ClinGen allele CA7284026.
Genomic context (GRCh38, chr14:77,027,466, plus strand): 5'-GTTGAGCTGTTGTTGCTGCTGCTGCTGCTGCTGCTGCTGCTGCTGTTGCTGCTGCTGCTG[CTGCTGT>C]TGCTGTTGCTGTTGCGCGGCGGCGGCGGCGGCCGCCGCTGCTGCCGCCGCCGCCGCCGCT-3'

ClinVar aggregate classification (germline): Likely benign. Review status: criteria provided, multiple submitters, no conflicts (2 of 4 stars). 2 submissions from 2 submitters: Likely benign (2). Last evaluated 2026-04-01.

Submissions (2):

CeGaT Center for Human Genetics Tuebingen
Classification: Likely benign. Last evaluated: 2026-04-01. Review status: criteria provided, single submitter. Criteria: CeGaT Center For Human Genetics Tuebingen Variant Classification Criteria Version 2. Collection method: clinical testing. Allele origin: germline. Affected: yes. Observed: 20 variant alleles.
Comment: IRF2BPL: BS1

Blueprint Genetics
Classification: Likely benign. Last evaluated: 2024-11-27. Review status: criteria provided, single submitter. Criteria: ACMG Guidelines, 2015. Collection method: clinical testing. Allele origin: germline.